The following is an entry in ClinVar:

ClinVar aggregate classification (germline): Uncertain significance. Review status: criteria provided, multiple submitters, no conflicts (2 of 4 stars). 2 submissions from 2 submitters: Uncertain significance (2). Last evaluated 2024-03-01.

Submissions (2):

Labcorp Genetics (formerly Invitae), Labcorp
Classification: Uncertain significance. Last evaluated: 2024-03-01. Review status: criteria provided, single submitter. Criteria: Invitae Variant Classification Sherloc (09022015). Collection method: clinical testing. Allele origin: germline.
Comment: This sequence change replaces leucine, which is neutral and non-polar, with phenylalanine, which is neutral and non-polar, at codon 73 of the MMP9 protein (p.Leu73Phe). This variant is present in population databases (no rsID available, gnomAD 0.002%). This variant has not been reported in the literature in individuals affected with MMP9-related conditions. Advanced modeling of protein sequence and biophysical properties (such as structural, functional, and spatial information, amino acid conservation, physicochemical variation, residue mobility, and thermodynamic stability) performed at Invitae indicates that this missense variant is not expected to disrupt MMP9 protein function with a negative predictive value of 80%. In summary, the available evidence is currently insufficient to determine the role of this variant in disease. Therefore, it has been classified as a Variant of Uncertain Significance.

Blueprint Genetics
Classification: Uncertain significance. Last evaluated: 2019-09-02. Review status: criteria provided, single submitter. Criteria: ACMG Guidelines, 2015. Collection method: clinical testing. Allele origin: germline.

NM_004994.3(MMP9):c.217C>T (p.Leu73Phe)

Gene: MMP9 (matrix metallopeptidase 9; plus strand). Cytogenetic location: 20q13.12.
Variant type: single nucleotide variant.
Coding change: c.217C>T on transcript NM_004994.3 (MANE Select); coding-DNA position 217, C replaced by T.
Protein change: p.Leu73Phe; replaces leucine 73 with phenylalanine.
Molecular consequence: missense variant.
Genome position (GRCh38, 1-based): chr20:46,009,944, C>T. VCF-style: chr20-46009944-C-T. GRCh37 (hg19) VCF-style: chr20-44638583-C-T.
Other names: short protein forms L73F.
Identifiers: ClinVar variation 3680304 (VCV003680304.3).